The following is an entry in ClinVar:

ClinVar aggregate classification (germline): Uncertain significance (1 of 4 stars; one submission).

Conditions:
Hereditary cancer-predisposing syndrome. Also called: Hereditary Cancer Syndrome; Hereditary neoplastic syndrome; Neoplastic Syndromes, Hereditary; Tumor predisposition. Identifiers: Orphanet 140162, MedGen C0027672, MeSH D009386, MONDO:0015356.

Submission:

Ambry Genetics
Classification: Uncertain significance for Hereditary cancer-predisposing syndrome. Last evaluated: 2024-08-26. Review status: criteria provided, single submitter. Criteria: Ambry Variant Classification Scheme 2023. Collection method: clinical testing. Allele origin: germline.
Comment: The p.P48H variant (also known as c.143C>A), located in coding exon 1 of the AXIN2 gene, results from a C to A substitution at nucleotide position 143. The proline at codon 48 is replaced by histidine, an amino acid with similar properties. This amino acid position is not conserved on species alignment. In addition, this alteration is predicted to be tolerated by in silico analysis. Based on the available evidence, the clinical significance of this variant remains unclear.

NM_004655.4(AXIN2):c.143C>A (p.Pro48His)

Gene: AXIN2 (axin 2; minus strand). Cytogenetic location: 17q24.1.
Variant type: single nucleotide variant.
Coding change: c.143C>A on transcript NM_004655.4 (MANE Select); coding-DNA position 143, C replaced by A.
Protein change: p.Pro48His; replaces proline 48 with histidine.
Molecular consequence: missense variant.
Genome position (GRCh38, 1-based): chr17:65,558,478, G>T on the plus strand (C>A on the coding strand, the complement: AXIN2 is on the minus strand). VCF-style: chr17-65558478-G-T. GRCh37 (hg19) VCF-style: chr17-63554596-G-T.
Other names: c.143C>A, p.Pro48His (NM_001363813.1); short protein forms P48H.
Identifiers: ClinVar variation 1772676 (VCV001772676.3), dbSNP rs1555583718, ClinGen allele CA400682048.